The following is an entry in ClinVar:

NM_021831.6(AGBL5):c.2458C>G (p.Leu820Val)

Gene: AGBL5 (AGBL carboxypeptidase 5; plus strand). Cytogenetic location: 2p23.3.
Variant type: single nucleotide variant.
Coding change: c.2458C>G on transcript NM_021831.6 (MANE Select); coding-DNA position 2458, C replaced by G.
Protein change: p.Leu820Val; replaces leucine 820 with valine.
Molecular consequence: missense variant. On other transcripts: non-coding transcript variant (2).
Genome position (GRCh38, 1-based): chr2:27,069,675, C>G. VCF-style: chr2-27069675-C-G. GRCh37 (hg19) VCF-style: chr2-27292543-C-G.
Other names: short protein forms L820V.
Identifiers: ClinVar variation 955946 (VCV000955946.7), dbSNP rs1481751027, ClinGen allele CA346142278.

ClinVar aggregate classification (germline): Uncertain significance (1 of 4 stars; one submission).

Allele frequency attached by ClinVar (database versions not stated): gnomAD exomes below 0.00001; gnomAD 0.00001; TOPMed 0.00001.
gnomAD v4.1: 2 of 1,614,170 alleles (0.00012%); highest among the groups gnomAD compares: East Asian, 0.0045%; no homozygotes.

Submission:

Labcorp Genetics (formerly Invitae), Labcorp
Classification: Uncertain significance. Last evaluated: 2022-07-12. Review status: criteria provided, single submitter. Criteria: Invitae Variant Classification Sherloc (09022015). Collection method: clinical testing. Allele origin: germline.
Comment: This sequence change replaces leucine, which is neutral and non-polar, with valine, which is neutral and non-polar, at codon 820 of the AGBL5 protein (p.Leu820Val). This variant is present in population databases (no rsID available, gnomAD 0.006%). This variant has not been reported in the literature in individuals affected with AGBL5-related conditions. ClinVar contains an entry for this variant (Variation ID: 955946). Algorithms developed to predict the effect of missense changes on protein structure and function (SIFT, PolyPhen-2, Align-GVGD) all suggest that this variant is likely to be tolerated. In summary, the available evidence is currently insufficient to determine the role of this variant in disease. Therefore, it has been classified as a Variant of Uncertain Significance.